The following is an entry in ClinVar:

ClinVar aggregate classification (germline): Likely pathogenic (1 of 4 stars; one submission).

Conditions:
Lissencephaly due to LIS1 mutation (LIS1). Also called: PAFAH1B1-Related Lissencephaly/Subcortical Band Heterotopia; PAFAH1B1-Associated Lissencephaly/Subcortical Band Heterotopia; Isolated Lissencephaly Sequence. Identifiers: Orphanet 95232, MedGen C4749301, MONDO:0011830, OMIM 607432.

Submission:

Neuberg Centre For Genomic Medicine, NCGM
Classification: Likely pathogenic for Lissencephaly due to LIS1 mutation. Review status: criteria provided, single submitter. Criteria: ACMG Guidelines, 2015. Collection method: clinical testing. Allele origin: germline. Inheritance: Autosomal dominant inheritance. Affected: yes.
Comment: The stop gained p.W236* in PAFAH1B1 (NM_000430.4) has not been reported previously as a pathogenic variant nor as a benign variant, to our knowledge. The p.W236* variant is novel (not in any individuals) in gnomAD Exomes and is novel (not in any individuals) in 1000 Genomes. This variant is predicted to cause loss of normal protein function through protein truncation. For these reasons, this variant has been classified as Likely Pathogenic.

NM_000430.4(PAFAH1B1):c.707G>A (p.Trp236Ter)

Gene: PAFAH1B1 (platelet activating factor acetylhydrolase 1b regulatory subunit 1; plus strand). Cytogenetic location: 17p13.3.
Variant type: single nucleotide variant.
Coding change: c.707G>A on transcript NM_000430.4 (MANE Select); coding-DNA position 707, G replaced by A.
Protein change: p.Trp236Ter; replaces tryptophan 236 with a stop codon.
Molecular consequence: nonsense.
Genome position (GRCh38, 1-based): chr17:2,674,095, G>A. VCF-style: chr17-2674095-G-A. GRCh37 (hg19) VCF-style: chr17-2577389-G-A.
Other names: short protein forms W236*.
Identifiers: ClinVar variation 2627404 (VCV002627404.1), dbSNP rs2544106283, ClinGen allele CA397641689.